The following is an entry in ClinVar:

NM_001376.5(DYNC1H1):c.636G>A (p.Met212Ile)

Gene: DYNC1H1 (dynein cytoplasmic 1 heavy chain 1; plus strand). Cytogenetic location: 14q32.31.
Variant type: single nucleotide variant.
Coding change: c.636G>A on transcript NM_001376.5 (MANE Select); coding-DNA position 636, G replaced by A.
Protein change: p.Met212Ile; replaces methionine 212 with isoleucine.
Molecular consequence: missense variant.
Genome position (GRCh38, 1-based): chr14:101,979,836, G>A. VCF-style: chr14-101979836-G-A. GRCh37 (hg19) VCF-style: chr14-102446173-G-A.
Other names: short protein forms M212I.
Identifiers: ClinVar variation 2799055 (VCV002799055.3), dbSNP rs2503679287, ClinGen allele CA391008454.

ClinVar aggregate classification (germline): Uncertain significance (1 of 4 stars; one submission).

Conditions:
Charcot-Marie-Tooth disease axonal type 2O. Also called: CHARCOT-MARIE-TOOTH NEUROPATHY, AXONAL, TYPE 2O; CHARCOT-MARIE-TOOTH DISEASE, AXONAL, AUTOSOMAL DOMINANT, TYPE 2O; Charcot-Marie-Tooth Neuropathy Type 2O; Charcot-Marie-Tooth disease, axonal, type 20. Identifiers: Orphanet 284232, MedGen C3280220, MONDO:0013644, OMIM 614228.

Submission:

Labcorp Genetics (formerly Invitae), Labcorp
Classification: Uncertain significance for Charcot-Marie-Tooth disease axonal type 2O. Last evaluated: 2023-08-29. Review status: criteria provided, single submitter. Criteria: Invitae Variant Classification Sherloc (09022015). Collection method: clinical testing. Allele origin: germline.
Comment: In summary, the available evidence is currently insufficient to determine the role of this variant in disease. Therefore, it has been classified as a Variant of Uncertain Significance. This sequence change replaces methionine, which is neutral and non-polar, with isoleucine, which is neutral and non-polar, at codon 212 of the DYNC1H1 protein (p.Met212Ile). This variant is not present in population databases (gnomAD no frequency). Advanced modeling of protein sequence and biophysical properties (such as structural, functional, and spatial information, amino acid conservation, physicochemical variation, residue mobility, and thermodynamic stability) performed at Invitae indicates that this missense variant is not expected to disrupt DYNC1H1 protein function. This variant has not been reported in the literature in individuals affected with DYNC1H1-related conditions.